The following is an entry in ClinVar:

NM_207037.2(TCF12):c.1423T>A (p.Tyr475Asn)

Gene: TCF12 (transcription factor 12; plus strand). Cytogenetic location: 15q21.3.
Variant type: single nucleotide variant.
Coding change: c.1423T>A on transcript NM_207037.2 (MANE Select); coding-DNA position 1423, T replaced by A.
Protein change: p.Tyr475Asn; replaces tyrosine 475 with asparagine.
Molecular consequence: missense variant.
Genome position (GRCh38, 1-based): chr15:57,253,424, T>A. VCF-style: chr15-57253424-T-A. GRCh37 (hg19) VCF-style: chr15-57545622-T-A.
Other names: c.1423T>A, p.Tyr475Asn (NM_001322152.2, NM_001322159.3, NM_001322162.2 and 2 more transcripts); c.766T>A, p.Tyr256Asn (NM_001322154.2); c.1249T>A, p.Tyr417Asn (NM_001322156.2); c.1351T>A, p.Tyr451Asn (NM_001322157.3, NM_001322165.2, NM_003205.4 and 1 more transcripts); c.1177T>A, p.Tyr393Asn (NM_001322158.2); c.1420T>A, p.Tyr474Asn (NM_001322161.2); c.1387T>A, p.Tyr463Asn (NM_001322164.2); c.913T>A, p.Tyr305Asn (NM_001306219.3); and 2 more; short protein forms Y215N, Y256N, Y281N, Y305N, Y393N, Y417N, Y451N, Y463N.
Identifiers: ClinVar variation 5020472 (VCV005020472.1).
Genomic context (GRCh38, chr15:57,253,424, plus strand): 5'-GATATACATAGTTTATTGGGACCATCCCATAATGCACCAATTGGAAGCCTCAATTCAAAC[T>A]ATGGAGGATCAAGCCTTGTTGCAAGCAGTCGATCAGCTTCAATGGTAAAATCATGCTCAT-3'
Protein context (NP_996920.1, residues 465-485): NAPIGSLNSN[Tyr475Asn]GGSSLVASSR

ClinVar aggregate classification (germline): Uncertain significance (1 of 4 stars; one submission).

Submission:

Dasa
Classification: Uncertain significance. Last evaluated: 2026-05-27. Review status: criteria provided, single submitter. Criteria: DASA Assertion Criteria. Collection method: clinical testing. Allele origin: germline.
Comment: NM_207037.2(TCF12):c.1423T>A (p.Tyr475Asn) is a missense variant that results in the substitution of tyrosine with asparagine. This variant is rare in population databases. The currently available literature and clinical evidence are not sufficient to establish a definitive association between this variant and the reported condition. Therefore, this variant is classified as a variant of uncertain significance.